The following is an entry in ClinVar:

NM_002485.5(NBN):c.1828G>A (p.Glu610Lys)

Gene: NBN (nibrin; minus strand). Cytogenetic location: 8q21.3.
Variant type: single nucleotide variant.
Coding change: c.1828G>A on transcript NM_002485.5 (MANE Select); coding-DNA position 1828, G replaced by A.
Protein change: p.Glu610Lys; replaces glutamic acid 610 with lysine.
Molecular consequence: missense variant.
Genome position (GRCh38, 1-based): chr8:89,953,261, C>T on the plus strand (G>A on the coding strand, the complement: NBN is on the minus strand). VCF-style: chr8-89953261-C-T. GRCh37 (hg19) VCF-style: chr8-90965489-C-T.
Other names: c.1582G>A, p.Glu528Lys (NM_001024688.3); short protein forms E610K, E528K.
Identifiers: ClinVar variation 1954356 (VCV001954356.5), dbSNP rs2129695916, ClinGen allele CA371655001.

ClinVar aggregate classification (germline): Uncertain significance (1 of 4 stars; one submission).

Conditions:
Microcephaly, normal intelligence and immunodeficiency (NBS). Also called: Immunodeficiency, microcephaly with normal intelligence; Ataxia telangiectasia variant V1; IMMUNODEFICIENCY, MICROCEPHALY, AND CHROMOSOMAL INSTABILITY; SEEMANOVA SYNDROME II; Nijmegen breakage syndrome; Microcephaly with normal intelligence immunodeficiency and lymphoreticular malignancies. Identifiers: Orphanet 647, MedGen C0398791, MONDO:0009623, OMIM 251260.

Submission:

Labcorp Genetics (formerly Invitae), Labcorp
Classification: Uncertain significance for Microcephaly, normal intelligence and immunodeficiency. Last evaluated: 2022-01-15. Review status: criteria provided, single submitter. Criteria: Invitae Variant Classification Sherloc (09022015). Collection method: clinical testing. Allele origin: germline.
Comment: This sequence change replaces glutamic acid, which is acidic and polar, with lysine, which is basic and polar, at codon 610 of the NBN protein (p.Glu610Lys). In summary, the available evidence is currently insufficient to determine the role of this variant in disease. Therefore, it has been classified as a Variant of Uncertain Significance. Algorithms developed to predict the effect of missense changes on protein structure and function output the following: SIFT: "Tolerated"; PolyPhen-2: "Benign"; Align-GVGD: "Class C0". The lysine amino acid residue is found in multiple mammalian species, which suggests that this missense change does not adversely affect protein function. This variant has not been reported in the literature in individuals affected with NBN-related conditions. This variant is not present in population databases (gnomAD no frequency).